The following continues an entry in ClinVar:

NM_000059.4(BRCA2):c.4965C>G (p.Tyr1655Ter)

Gene: BRCA2. ClinVar aggregate classification (germline): Pathogenic. Pathogenic (1).

Submissions 21 to 35 of 35:

Laboratory for Molecular Medicine, Mass General Brigham Personalized Medicine
Classification: Pathogenic for Hereditary breast ovarian cancer syndrome. Last evaluated: 2019-04-24. Review status: criteria provided, single submitter. Criteria: LMM Criteria. Collection method: clinical testing. Allele origin: germline. Inheritance: Autosomal dominant inheritance. Observed: 12 variant alleles. Not counted in ClinVar's aggregate classification.
Comment: The p.Tyr1655X variant in BRCA2 has been reported in at least 8 individuals with BRCA2-associated cancers (Ramus 2007, Bayraktar 2012, Castro 2013, Chong 2014, Tung 2015, Susswein 2016). This variant has also been identified in 2/125700 European chromosomes by the Genome Aggregation Database (GnomAD); however, this frequency is low enough to be consistent with the frequency of hereditary breast and ovarian cancer (HBOC) in the general population. This nonsense variant leads to a premature termination codon at position 1655, which is predicted to lead to a truncated or absent protein. Heterozygous loss of BRCA2 function is an established disease mechanism in hereditary breast and ovarian cancer (HBOC). In summary, this variant meets criteria to be classified as pathogenic for HBOC in an autosomal dominant manner based upon the predicted impact to the protein and low frequency in controls. ACMG/AMP criteria applied: PVS1, PS4_Moderate, PM2_Supporting.

Department of Pathology and Molecular Medicine, Queen's University
Classification: Pathogenic. Last evaluated: 2017-04-20. Review status: criteria provided, single submitter. Criteria: ACMG Guidelines, 2015. Collection method: clinical testing. Allele origin: germline. Study: The Canadian Open Genetics Repository (COGR). Not counted in ClinVar's aggregate classification.

Women's Health and Genetics/Laboratory Corporation of America, LabCorp
Classification: Pathogenic for Hereditary breast ovarian cancer syndrome. Last evaluated: 2016-05-18. Review status: criteria provided, single submitter. Criteria: LabCorp Variant Classification Summary - May 2015. Collection method: clinical testing. Allele origin: germline. Not counted in ClinVar's aggregate classification.
Comment: Variant summary: The BRCA2 c.4965C>G (p.Tyr1655X) variant results in a premature termination codon, predicted to cause a truncated or absent BRCA2 protein due to nonsense mediated decay, which are commonly known mechanisms for disease. Truncations downstream of this position have been classified as pathogenic by our laboratory (e.g. p.Arg3128X, p.Glu3111X). Mutation taster predicts a damaging outcome for this variant. This variant was found in 1/121918 control chromosomes at a frequency of 0.0000082, which does not exceed the estimated maximal expected allele frequency of a pathogenic BRCA2 variant (0.0007503). It was observed in several breast and/or ovarian cancer patients indicating pathogenicity. It has also been reported 21 times in BIC which supports the fact that this variant is a recurrent mutation. Additionally, a functional study demonstrated the variant to impair homology directed repair activity of BRCA2 which is a known to be important for BRCA2s role in tumor suppression. Furthermore, multiple clinical diagnostic laboratories/reputable databases classified this variant as Pathogenic. Taken together, this variant is classified as Pathogenic.

Institute for Biomarker Research, Medical Diagnostic Laboratories, L.L.C.
Classification: Pathogenic for Hereditary breast ovarian cancer syndrome. Last evaluated: 2016-04-25. Review status: criteria provided, single submitter. Criteria: ACMG Guidelines, 2015. Collection method: clinical testing. Allele origin: germline. Not counted in ClinVar's aggregate classification.

Molecular Genetics Laboratory, University of Michigan
Classification: Pathogenic for Breast-ovarian cancer, familial, susceptibility to, 2. Last evaluated: 2016-04-21. Review status: criteria provided, single submitter. Criteria: ACMG Guidelines, 2015. Collection method: clinical testing. Allele origin: germline. Affected: yes. Not counted in ClinVar's aggregate classification.

Consortium of Investigators of Modifiers of BRCA1/2 (CIMBA), c/o University of Cambridge
Classification: Pathogenic for Breast-ovarian cancer, familial, susceptibility to, 2. Last evaluated: 2015-10-02. Review status: criteria provided, single submitter. Criteria: CIMBA Mutation Classification guidelines May 2016. Collection method: clinical testing. Allele origin: germline. Not counted in ClinVar's aggregate classification.

Pathway Genomics
Classification: Pathogenic for Breast-ovarian cancer, familial 2. Last evaluated: 2014-10-30. Review status: criteria provided, single submitter. Criteria: ACMG Guidelines, 2015. Collection method: clinical testing. Allele origin: germline. Affected: no. Not counted in ClinVar's aggregate classification.

German Consortium for Hereditary Breast and Ovarian Cancer, University Hospital Cologne
Classification: Pathogenic for Ovarian neoplasm. Last evaluated: 2018-12-01. Review status: no assertion criteria provided. Collection method: research. Allele origin: germline. Affected: yes. Not counted in ClinVar's aggregate classification.

True Health Diagnostics
Classification: Pathogenic for Hereditary cancer-predisposing syndrome. Last evaluated: 2018-05-30. Review status: no assertion criteria provided. Collection method: clinical testing. Allele origin: germline. Not counted in ClinVar's aggregate classification.

Counsyl
Classification: Pathogenic for Breast-ovarian cancer, familial, susceptibility to, 2. Last evaluated: 2015-12-10. Review status: no assertion criteria provided. Collection method: clinical testing. Allele origin: unknown. Not counted in ClinVar's aggregate classification.

Knight Diagnostic Laboratories, Oregon Health and Sciences University
Classification: Pathogenic for Fanconi anemia, complementation group D1; Breast-ovarian cancer, familial 2. Last evaluated: 2015-02-02. Review status: no assertion criteria provided. Criteria: ACMG Guidelines, 2015. Collection method: clinical testing. Allele origin: germline. Inheritance: Autosomal recessive inheritance. Affected: no. Not counted in ClinVar's aggregate classification.

Research Molecular Genetics Laboratory, Women's College Hospital, University of Toronto
Classification: Pathogenic for Hereditary breast ovarian cancer syndrome. Last evaluated: 2014-01-31. Review status: no assertion criteria provided. Collection method: research. Allele origin: germline. Affected: yes. Study: The Canadian Open Genetics Repository (COGR). Not counted in ClinVar's aggregate classification.

Sharing Clinical Reports Project (SCRP)
Classification: Pathogenic for Breast-ovarian cancer, familial 2. Last evaluated: 2013-01-03. Review status: no assertion criteria provided. Collection method: clinical testing. Allele origin: germline. Not counted in ClinVar's aggregate classification.

Breast Cancer Information Core (BIC) (BRCA2)
Classification: Pathogenic for Breast-ovarian cancer, familial 2. Last evaluated: 2002-05-29. Review status: no assertion criteria provided. Collection method: clinical testing. Allele origin: germline. Affected: yes. Observed: 21 variant alleles. Not counted in ClinVar's aggregate classification.

CHARM Consortium
No classification provided. Condition: Breast-ovarian cancer, familial, susceptibility to, 2. Review status: no classification provided. Collection method: phenotyping only. Allele origin: germline. Affected: yes. Not counted in ClinVar's aggregate classification.

Literature cited by the submitters: PubMed 20104584 (cited by Labcorp Genetics (formerly Invitae), Labcorp); PubMed 17688236 (cited by 8 submitters); PubMed 20858050 (cited by Labcorp Genetics (formerly Invitae), Labcorp); PubMed 21709188 (cited by 4 submitters); PubMed 23569316 (cited by 4 submitters); PubMed 24728189 (cited by 6 submitters); PubMed 26681312 (cited by 7 submitters); PubMed 20301425 (cited by Variantyx, Inc.); PubMed 22009639 (cited by 6 submitters); PubMed 25186627 (cited by 5 submitters); PubMed 29446198 (cited by 3 submitters); PubMed 32338768 (cited by Variantyx, Inc.); PubMed 32427313 (cited by Variantyx, Inc.); PubMed 32853339 (cited by Variantyx, Inc.); PubMed 19654294 (cited by Ambry Genetics and Women's Health and Genetics/Laboratory Corporation of America, LabCorp); PubMed 21120943 (cited by Ambry Genetics); PubMed 21205087 (cited by Ambry Genetics); PubMed 23415752 (cited by Ambry Genetics and Women's Health and Genetics/Laboratory Corporation of America, LabCorp); PubMed 25085752 (cited by Ambry Genetics); PubMed 25737278 (cited by Ambry Genetics); PubMed 27376475 (cited by Ambry Genetics); PubMed 28616458 (cited by 3 submitters); PubMed 28915716 (cited by Ambry Genetics); PubMed 28973083 (cited by Ambry Genetics and Quest Diagnostics Nichols Institute San Juan Capistrano); PubMed 29371908 (cited by 4 submitters); PubMed 2200631 (cited by All of Us Research Program, National Institutes of Health and Color Diagnostics, LLC DBA Color Health); PubMed 25136594 (cited by 3 submitters); PubMed 28726808 (cited by All of Us Research Program, National Institutes of Health and Color Diagnostics, LLC DBA Color Health); PubMed 33471991 (cited by All of Us Research Program, National Institutes of Health and Color Diagnostics, LLC DBA Color Health); PubMed 21913181 (cited by Quest Diagnostics Nichols Institute San Juan Capistrano and Women's Health and Genetics/Laboratory Corporation of America, LabCorp); PubMed 26295337 (cited by Quest Diagnostics Nichols Institute San Juan Capistrano); PubMed 33461977 (cited by Daryl Scott Lab, Baylor College of Medicine); PubMed 24830819 (cited by Laboratory for Molecular Medicine, Mass General Brigham Personalized Medicine); PubMed 22006311 (cited by Women's Health and Genetics/Laboratory Corporation of America, LabCorp and Counsyl); PubMed 22762150 (cited by Women's Health and Genetics/Laboratory Corporation of America, LabCorp); PubMed 20167696 (cited by Women's Health and Genetics/Laboratory Corporation of America, LabCorp).